The following is an entry in ClinVar:

NM_001012759.3(CTU2):c.522C>T (p.Tyr174=)

Gene: CTU2 (cytosolic thiouridylase subunit 2; plus strand). Cytogenetic location: 16q24.3.
Variant type: single nucleotide variant.
Coding change: c.522C>T on transcript NM_001012759.3 (MANE Select); coding-DNA position 522, C replaced by T.
Protein change: p.Tyr174=; no amino-acid change (tyrosine 174 retained).
Molecular consequence: synonymous variant.
Genome position (GRCh38, 1-based): chr16:88,712,690, C>T. VCF-style: chr16-88712690-C-T. GRCh37 (hg19) VCF-style: chr16-88779098-C-T.
Other names: c.522C>T, p.Tyr174= (NM_001012762.3); c.735C>T, p.Tyr245= (NM_001318507.2); c.261C>T, p.Tyr87= (NM_001318513.2).
Identifiers: ClinVar variation 770637 (VCV000770637.13), dbSNP rs76614176, ClinGen allele CA8230374.

ClinVar aggregate classification (germline): Benign. Review status: criteria provided, multiple submitters, no conflicts (2 of 4 stars). 3 submissions from 3 submitters: Benign (2). 1 of the submissions does not count toward it. Last evaluated 2025-11-24.

Conditions:
CTU2-related disorder. Also called: CTU2-related condition.

Allele frequency attached by ClinVar (database versions not stated): gnomAD exomes 0.00131; gnomAD 0.00508 and 0.00545; TOPMed 0.00544; 1000 Genomes Project 0.00639; 1000 Genomes Project 30x 0.00671; ExAC 0.00172; ESP Exome Variant Server 0.00739.
gnomAD v4.1: 1,408 of 1,610,532 alleles (0.087%); highest among the groups gnomAD compares: African/African-American, 1.6%; 10 homozygotes.

Submissions (3):

Labcorp Genetics (formerly Invitae), Labcorp
Classification: Benign. Last evaluated: 2025-11-24. Review status: criteria provided, single submitter. Criteria: Invitae Variant Classification Sherloc (09022015). Collection method: clinical testing. Allele origin: germline.

Breakthrough Genomics
Classification: Benign. Review status: criteria provided, single submitter. Criteria: ACMG Guidelines, 2015. Collection method: not provided. Allele origin: germline. Inheritance: Autosomal recessive inheritance. Affected: yes.

PreventionGenetics, part of Exact Sciences
Classification: Benign for CTU2-related condition. Last evaluated: 2019-12-02. Review status: no assertion criteria provided. Collection method: clinical testing. Allele origin: germline. Not counted in ClinVar's aggregate classification.
Comment: This variant is classified as benign based on ACMG/AMP sequence variant interpretation guidelines (Richards et al. 2015 PMID: 25741868, with internal and published modifications).